The following is an entry in ClinVar:

NM_001034853.2(RPGR):c.305C>G (p.Ser102Ter)

Gene: RPGR (retinitis pigmentosa GTPase regulator; minus strand). Cytogenetic location: Xp11.4.
Variant type: single nucleotide variant.
Coding change: c.305C>G on transcript NM_001034853.2 (MANE Select); coding-DNA position 305, C replaced by G.
Protein change: p.Ser102Ter; replaces serine 102 with a stop codon.
Molecular consequence: nonsense. On other transcripts: non-coding transcript variant (6).
Genome position (GRCh38, 1-based): chrX:38,321,032, G>C on the plus strand (C>G on the coding strand, the complement: RPGR is on the minus strand). VCF-style: chrX-38321032-G-C. GRCh37 (hg19) VCF-style: chrX-38180285-G-C.
Other names: c.305C>G, p.Ser102Ter (NM_000328.3, NM_001367245.1, NM_001367246.1 and 4 more transcripts); c.335C>G, p.Ser112Ter (NM_001367248.1); short protein forms S102*, S112*.
Identifiers: ClinVar variation 2133843 (VCV002133843.4), dbSNP rs2519902120, ClinGen allele CA412745359.

ClinVar aggregate classification (germline): Pathogenic (1 of 4 stars; one submission).

Conditions:
Primary ciliary dyskinesia. Also called: Ciliary dyskinesia. Identifiers: Orphanet 244, MedGen C0008780, MONDO:0016575, HP:0012265.

Submission:

Labcorp Genetics (formerly Invitae), Labcorp
Classification: Pathogenic for Primary ciliary dyskinesia. Last evaluated: 2022-05-04. Review status: criteria provided, single submitter. Criteria: Invitae Variant Classification Sherloc (09022015). Collection method: clinical testing. Allele origin: germline.
Comment: For these reasons, this variant has been classified as Pathogenic. This variant has not been reported in the literature in individuals affected with RPGR-related conditions. This variant is not present in population databases (gnomAD no frequency). This sequence change creates a premature translational stop signal (p.Ser102*) in the RPGR gene. It is expected to result in an absent or disrupted protein product. Loss-of-function variants in RPGR are known to be pathogenic (PMID: 16055928, 16969763).

Literature cited by the submitters: PubMed 16055928; PubMed 16969763.